The following is an entry in ClinVar:

NM_001330574.2(ZNF711):c.569ATG[5] (p.Asp195del)

Gene: ZNF711 (ZFX family zinc finger ZNF711; plus strand). Cytogenetic location: Xq21.1.
Variant type: Microsatellite.
Coding change: c.569ATG[5] on transcript NM_001330574.2 (MANE Select); five copies in a row of the 3-base unit ATG starting at c.569; the reference has six copies in a row; one copy, 3 bases deleted.
Protein change: p.Asp195del; deletes aspartic acid 195.
Molecular consequence: inframe deletion.
Genome position (GRCh38, 1-based): chrX:85,255,763-85,255,765, ATG deleted; deleting any 3 consecutive bases within chrX:85,255,747-85,255,765 gives the same sequence; the position shown is the placement nearest the transcript's 3' end. VCF-style (leftmost placement, unchanged base first): chrX-85255746-AGAT-A. GRCh37 (hg19) VCF-style: chrX-84510752-AGAT-A.
Other names: c.569ATG[5], p.Asp195del (NM_001375431.1, NM_001375432.1, NM_001375433.1 and 5 more transcripts); short protein forms D195del.
Identifiers: ClinVar variation 930485 (VCV000930485.16), dbSNP rs746649683, ClinGen allele CA10464635.

ClinVar aggregate classification (germline): Conflicting classifications of pathogenicity. Review status: criteria provided, conflicting classifications (1 of 4 stars). 2 submissions from 2 submitters: Uncertain significance (1); Likely benign (1). Last evaluated 2025-01-01.

Conditions:
Intellectual developmental disorder, X-linked 97. Also called: Intellectual disability, X-linked 97. Identifiers: Orphanet 777, MedGen C2749020, MONDO:0010430, OMIM 300803.

Submissions (2):

CeGaT Center for Human Genetics Tuebingen
Classification: Likely benign. Last evaluated: 2025-01-01. Review status: criteria provided, single submitter. Criteria: CeGaT Center For Human Genetics Tuebingen Variant Classification Criteria Version 2. Collection method: clinical testing. Allele origin: germline. Affected: yes. Observed: 1 variant allele.
Comment: ZNF711: PM4:Supporting, BS2

Centre for Mendelian Genomics, University Medical Centre Ljubljana
Classification: Uncertain significance for Intellectual developmental disorder, X-linked 97. Last evaluated: 2019-10-01. Review status: criteria provided, single submitter. Criteria: ACMG Guidelines, 2015. Collection method: clinical testing. Allele origin: unknown. Affected: yes.
Comment: This variant was classified as: Uncertain significance. The available evidence on this variant's pathogenicity is insufficient or conflicting. The following ACMG criteria were applied in classifying this variant: BP3.